The following is an entry in ClinVar:

ClinVar aggregate classification (germline): Benign. Review status: criteria provided, multiple submitters, no conflicts (2 of 4 stars). 8 submissions from 8 submitters: Benign (6). 2 of the submissions do not count toward it. Last evaluated 2026-02-04.

Conditions:
Weill-Marchesani syndrome. Also called: WM Syndrome; Mesodermal dysmorphodystrophy congenital. Identifiers: Orphanet 3449, MedGen C0265313, MONDO:0018096.

Allele frequency attached by ClinVar (database versions not stated): 1000 Genomes Project 0.01717; 1000 Genomes Project 30x 0.01843; gnomAD 0.02893 and 0.02952; TOPMed 0.02924; ESP Exome Variant Server 0.03055; gnomAD exomes 0.03516; ExAC 0.03546.

Submissions (16):

Labcorp Genetics (formerly Invitae), Labcorp
Classification: Benign. Last evaluated: 2026-02-04. Review status: criteria provided, single submitter. Criteria: Invitae Variant Classification Sherloc (09022015). Collection method: clinical testing. Allele origin: germline.

Blueprint Genetics
Classification: Benign. Last evaluated: 2024-11-28. Review status: criteria provided, single submitter. Criteria: ACMG Guidelines, 2015. Collection method: clinical testing. Allele origin: germline.

Mayo Clinic Laboratories, Mayo Clinic
Classification: Benign. Last evaluated: 2023-01-11. Review status: criteria provided, single submitter. Criteria: ACMG Guidelines, 2015. Collection method: clinical testing. Allele origin: germline. Observed: 45 variant alleles.
Comment: BA1, BS2, BP4

GeneDx
Classification: Benign. Last evaluated: 2020-04-27. Review status: criteria provided, single submitter. Criteria: GeneDx Variant Classification Process June 2021. Collection method: clinical testing. Allele origin: germline. Affected: yes.
Comment: This variant is associated with the following publications: (PMID: 28552196, 30389748, 27848971)

Illumina Laboratory Services, Illumina
Classification: Benign for Weill-Marchesani syndrome. Last evaluated: 2018-01-13. Review status: criteria provided, single submitter. Criteria: ICSL Variant Classification Criteria 13 December 2019. Collection method: clinical testing. Allele origin: germline.
Comment: This variant was observed in the ICSL laboratory as part of a predisposition screen in an ostensibly healthy population. It had not been previously curated by ICSL or reported in the Human Gene Mutation Database (HGMD: prior to June 1st, 2018), and was therefore a candidate for classification through an automated scoring system. Utilizing variant allele frequency, disease prevalence and penetrance estimates, and inheritance mode, an automated score was calculated to assess if this variant is too frequent to cause the disease. Based on the score and internal cut-off values, a variant classified as benign is not then subjected to further curation. The score for this variant resulted in a classification of benign for this disease.

Breakthrough Genomics
Classification: Benign. Review status: criteria provided, single submitter. Criteria: ACMG Guidelines, 2015. Collection method: not provided. Allele origin: germline. Inheritance: Autosomal recessive inheritance. Affected: yes.

Dr. Peter K. Rogan Lab, Western University
No classification provided (evidence only). Condition: Acute myeloid leukemia. Review status: no classification provided. Collection method: in vitro. Allele origin: not applicable. Functional consequence: retained intron. Not counted in ClinVar's aggregate classification.

Dr. Peter K. Rogan Lab, Western University
No classification provided (evidence only). Condition: Colon adenocarcinoma. Review status: no classification provided. Collection method: in vitro. Allele origin: not applicable. Functional consequence: retained intron. Not counted in ClinVar's aggregate classification.

Dr. Peter K. Rogan Lab, Western University
No classification provided (evidence only). Condition: Malignant lymphoma, large B-cell, diffuse. Review status: no classification provided. Collection method: in vitro. Allele origin: not applicable. Functional consequence: retained intron. Not counted in ClinVar's aggregate classification.

Dr. Peter K. Rogan Lab, Western University
No classification provided (evidence only). Condition: Hepatocellular carcinoma. Review status: no classification provided. Collection method: in vitro. Allele origin: not applicable. Functional consequence: retained intron. Not counted in ClinVar's aggregate classification.

Dr. Peter K. Rogan Lab, Western University
No classification provided (evidence only). Condition: Hepatocellular carcinoma. Review status: no classification provided. Collection method: in vitro. Allele origin: not applicable. Functional consequence: retained intron. Not counted in ClinVar's aggregate classification.

Dr. Peter K. Rogan Lab, Western University
No classification provided (evidence only). Condition: Thymoma. Review status: no classification provided. Collection method: in vitro. Allele origin: not applicable. Functional consequence: retained intron. Not counted in ClinVar's aggregate classification.

Dr. Peter K. Rogan Lab, Western University
No classification provided (evidence only). Condition: Adrenocortical carcinoma, hereditary. Review status: no classification provided. Collection method: in vitro. Allele origin: not applicable. Functional consequence: retained intron. Not counted in ClinVar's aggregate classification.

Dr. Peter K. Rogan Lab, Western University
No classification provided (evidence only). Condition: Adrenocortical carcinoma, hereditary. Review status: no classification provided. Collection method: in vitro. Allele origin: not applicable. Functional consequence: retained intron. Not counted in ClinVar's aggregate classification.

Genome Diagnostics Laboratory, Amsterdam University Medical Center
Classification: Benign. Review status: no assertion criteria provided. Collection method: clinical testing. Allele origin: germline. Affected: yes. Study: VKGL Data-share Consensus. Not counted in ClinVar's aggregate classification.

Laboratory of Diagnostic Genome Analysis, Leiden University Medical Center (LUMC)
Classification: Likely benign. Review status: no assertion criteria provided. Collection method: clinical testing. Allele origin: germline. Affected: yes. Study: VKGL Data-share Consensus. Not counted in ClinVar's aggregate classification.

NM_030957.4(ADAMTS10):c.185G>A (p.Arg62Gln)

Gene: ADAMTS10 (ADAM metallopeptidase with thrombospondin type 1 motif 10; minus strand). Cytogenetic location: 19p13.2.
Variant type: single nucleotide variant.
Coding change: c.185G>A on transcript NM_030957.4 (MANE Select); coding-DNA position 185, G replaced by A.
Protein change: p.Arg62Gln; replaces arginine 62 with glutamine.
Molecular consequence: missense variant.
Genome position (GRCh38, 1-based): chr19:8,605,262, C>T on the plus strand (G>A on the coding strand, the complement: ADAMTS10 is on the minus strand). VCF-style: chr19-8605262-C-T. GRCh37 (hg19) VCF-style: chr19-8670147-C-T.
Other names: p.Arg62Gln; short protein forms R62Q.
Identifiers: ClinVar variation 330613 (VCV000330613.21), dbSNP rs62621197, ClinGen allele CA9160909.